The following is an entry in ClinVar:

NM_001375834.1(WIPF1):c.1364A>G (p.Tyr455Cys)

Gene: WIPF1 (WAS/WASL interacting protein family member 1; minus strand). Cytogenetic location: 2q31.1.
Variant type: single nucleotide variant.
Coding change: c.1364A>G on transcript NM_001375834.1 (MANE Select); coding-DNA position 1364, A replaced by G.
Protein change: p.Tyr455Cys; replaces tyrosine 455 with cysteine.
Molecular consequence: missense variant.
Genome position (GRCh38, 1-based): chr2:174,567,162, T>C on the plus strand (A>G on the coding strand, the complement: WIPF1 is on the minus strand). VCF-style: chr2-174567162-T-C. GRCh37 (hg19) VCF-style: chr2-175431890-T-C.
Other names: c.1364A>G, p.Tyr455Cys (NM_001077269.1, NM_001375832.1, NM_001375833.1 and 2 more transcripts); c.986A>G, p.Tyr329Cys (NM_001375839.1); short protein forms Y455C, Y329C.
Identifiers: ClinVar variation 2192254 (VCV002192254.4), dbSNP rs746276409, ClinGen allele CA1973916.

ClinVar aggregate classification (germline): Uncertain significance (1 of 4 stars; one submission).

Conditions:
Wiskott-Aldrich syndrome 2 (WAS2). Also called: WIPF1 DEFICIENCY. Identifiers: Orphanet 906, MedGen C3281001, MONDO:0013779, OMIM 614493.

Allele frequency attached by ClinVar (database versions not stated): TOPMed below 0.00001; ExAC 0.00001; gnomAD 0.00001; gnomAD exomes 0.00001.
gnomAD v4.1: 11 of 1,614,100 alleles (0.00068%); highest among the groups gnomAD compares: African/African-American, 0.0027%; no homozygotes.

Submission:

Labcorp Genetics (formerly Invitae), Labcorp
Classification: Uncertain significance for Wiskott-Aldrich syndrome 2. Last evaluated: 2022-08-19. Review status: criteria provided, single submitter. Criteria: Invitae Variant Classification Sherloc (09022015). Collection method: clinical testing. Allele origin: germline.
Comment: This sequence change replaces tyrosine, which is neutral and polar, with cysteine, which is neutral and slightly polar, at codon 455 of the WIPF1 protein (p.Tyr455Cys). In summary, the available evidence is currently insufficient to determine the role of this variant in disease. Therefore, it has been classified as a Variant of Uncertain Significance. Algorithms developed to predict the effect of missense changes on protein structure and function are either unavailable or do not agree on the potential impact of this missense change (SIFT: "Not Available"; PolyPhen-2: "Benign"; Align-GVGD: "Not Available"). This variant has not been reported in the literature in individuals affected with WIPF1-related conditions. This variant is present in population databases (rs746276409, gnomAD 0.007%).